The following is an entry in ClinVar:

ClinVar aggregate classification (germline): Benign. Review status: criteria provided, single submitter (1 of 4 stars). 2 submissions from 2 submitters: Benign (1). 1 of the submissions does not count toward it. Last evaluated 2025-12-08.

Conditions:
PCSK1-related disorder. Also called: PCSK1-related condition.

Allele frequency attached by ClinVar (database versions not stated): 1000 Genomes Project 30x 0.00062; TOPMed 0.00002; 1000 Genomes Project 0.00080.
gnomAD v4.1: 353 of 1,614,150 alleles (0.022%); highest among the groups gnomAD compares: South Asian, 0.37%; 4 homozygotes.

Submissions (2):

Labcorp Genetics (formerly Invitae), Labcorp
Classification: Benign. Last evaluated: 2025-12-08. Review status: criteria provided, single submitter. Criteria: Invitae Variant Classification Sherloc (09022015). Collection method: clinical testing. Allele origin: germline.

PreventionGenetics, part of Exact Sciences
Classification: Likely benign for PCSK1-related condition. Last evaluated: 2022-11-10. Review status: no assertion criteria provided. Collection method: clinical testing. Allele origin: germline. Not counted in ClinVar's aggregate classification.
Comment: This variant is classified as likely benign based on ACMG/AMP sequence variant interpretation guidelines (Richards et al. 2015 PMID: 25741868, with internal and published modifications).

NM_000439.5(PCSK1):c.2076G>C (p.Lys692Asn)

Genes: CAST (calpastatin; plus strand), PCSK1 (proprotein convertase subtilisin/kexin type 1; minus strand), LOC101929710 (uncharacterized LOC101929710; plus strand). Cytogenetic location: 5q15.
Variant type: single nucleotide variant.
Coding change: c.2076G>C on transcript NM_000439.5 (MANE Select); coding-DNA position 2076, G replaced by C.
Protein change: p.Lys692Asn; replaces lysine 692 with asparagine.
Molecular consequence: missense variant. On other transcripts: intron variant (11).
Genome position (GRCh38, 1-based): chr5:96,393,187, C>G on the plus strand (G>C on the coding strand, the complement: PCSK1 is on the minus strand). VCF-style: chr5-96393187-C-G. GRCh37 (hg19) VCF-style: chr5-95728891-C-G.
Other names: c.1935G>C, p.Lys645Asn (NM_001177875.2); c.-175+13535C>G (NM_001423254.1, NM_001423259.1, NM_001423255.1 and 6 more transcripts); c.-103+13535C>G (NM_001423253.1); c.-40+13535C>G (NM_001423258.1); short protein forms K645N, K692N.
Identifiers: ClinVar variation 3045997 (VCV003045997.4), dbSNP rs570064523, ClinGen allele CA3350057.